The following is an entry in ClinVar:

NM_020975.6(RET):c.660C>G (p.Ser220Arg)

Gene: RET (ret proto-oncogene; plus strand). Cytogenetic location: 10q11.21.
Variant type: single nucleotide variant.
Coding change: c.660C>G on transcript NM_020975.6 (MANE Select); coding-DNA position 660, C replaced by G.
Protein change: p.Ser220Arg; replaces serine 220 with arginine.
Molecular consequence: missense variant. On other transcripts: 5 prime UTR variant (1), intron variant (22).
Genome position (GRCh38, 1-based): chr10:43,104,986, C>G. VCF-style: chr10-43104986-C-G. GRCh37 (hg19) VCF-style: chr10-43600434-C-G.
Other names: c.-103C>G (NM_001355216.2); c.660C>G, p.Ser220Arg (NM_001406743.1, NM_001406744.1, NM_001406759.1 and 6 more transcripts); c.531C>G, p.Ser177Arg (NM_001406761.1, NM_001406762.1, NM_001406764.1 and 2 more transcripts); c.372C>G, p.Ser124Arg (NM_001406766.1, NM_001406767.1, NM_001406770.1); c.625+2357C>G (NM_001406773.1, NM_001406771.1, NM_001406782.1 and 5 more transcripts); c.337+4264C>G (NM_001406790.1, NM_001406788.1, NM_001406789.1 and 1 more transcripts); c.74-4045C>G (NM_001406784.1); c.74-7113C>G (NM_001406794.1, NM_001406792.1, NM_001406793.1); and 2 more; short protein forms S124R, S177R, S220R.
Identifiers: ClinVar variation 4757093 (VCV004757093.1).

ClinVar aggregate classification (germline): Uncertain significance (1 of 4 stars; one submission).

Conditions:
Multiple endocrine neoplasia, type 2 (MEN2). Identifiers: Orphanet 653, MedGen C4048306, MONDO:0019003. Disease mechanism: gain of function.

Submission:

Color Diagnostics, LLC DBA Color Health
Classification: Uncertain significance for Multiple endocrine neoplasia, type 2. Last evaluated: 2025-06-17. Review status: criteria provided, single submitter. Criteria: ACMG Guidelines, 2015. Collection method: clinical testing. Allele origin: germline.
Comment: This missense variant replaces serine with arginine at codon 220 of the RET protein. Computational prediction suggests that this variant may not impact protein structure and function. To our knowledge, functional studies have not been reported for this variant. This variant has not been reported in individuals affected with RET-related disorders in the literature. This variant has not been identified in the general population by the Genome Aggregation Database (gnomAD). The available evidence is insufficient to determine the role of this variant in disease conclusively. Therefore, this variant is classified as a Variant of Uncertain Significance.